The following is an entry in ClinVar:

ClinVar aggregate classification (germline): Conflicting classifications of pathogenicity. Review status: criteria provided, conflicting classifications (1 of 4 stars). 4 submissions from 4 submitters: Uncertain significance (2); Benign (1); Likely benign (1). Last evaluated 2026-01-25.

Conditions:
Dubin-Johnson syndrome (DJS). Also called: HYPERBILIRUBINEMIA, DUBIN-JOHNSON TYPE; Jaundice, Chronic Idiopathic; Hyperbilirubinemia type 2. Identifiers: Orphanet 234, MedGen C0022350, MONDO:0009380, OMIM 237500.

Allele frequency attached by ClinVar (database versions not stated): ESP Exome Variant Server 0.00015; gnomAD 0.00024 and 0.00044; TOPMed 0.00033; 1000 Genomes Project 30x 0.00047; 1000 Genomes Project 0.00060; gnomAD exomes 0.00078 and 0.00120; ExAC 0.00135.
gnomAD v4.1: 1,220 of 1,614,190 alleles (0.076%); highest among the groups gnomAD compares: Middle Eastern, 1%; 9 homozygotes.

Submissions (4):

Labcorp Genetics (formerly Invitae), Labcorp
Classification: Benign. Last evaluated: 2026-01-25. Review status: criteria provided, single submitter. Criteria: Invitae Variant Classification Sherloc (09022015). Collection method: clinical testing. Allele origin: germline.

Mayo Clinic Laboratories, Mayo Clinic
Classification: Uncertain significance. Last evaluated: 2022-12-08. Review status: criteria provided, single submitter. Criteria: ACMG Guidelines, 2015. Collection method: clinical testing. Allele origin: germline. Observed: 2 variant alleles.
Comment: BS1, PP3

Illumina Laboratory Services, Illumina
Classification: Likely benign for Dubin-Johnson syndrome. Last evaluated: 2018-01-12. Review status: criteria provided, single submitter. Criteria: ICSL Variant Classification Criteria 13 December 2019. Collection method: clinical testing. Allele origin: germline.
Comment: This variant was observed in the ICSL laboratory as part of a predisposition screen in an ostensibly healthy population. It had not been previously curated by ICSL or reported in the Human Gene Mutation Database (HGMD: prior to June 1st, 2018), and was therefore a candidate for classification through an automated scoring system. Utilizing variant allele frequency, disease prevalence and penetrance estimates, and inheritance mode, an automated score was calculated to assess if this variant is too frequent to cause the disease. Based on the score and internal cut-off values, a variant classified as likely benign is not then subjected to further curation. The score for this variant resulted in a classification of likely benign for this disease.

Eurofins Ntd Llc (ga)
Classification: Uncertain significance. Last evaluated: 2017-07-27. Review status: criteria provided, single submitter. Criteria: EGL Classification Definitions 2015. Collection method: clinical testing. Allele origin: germline. Observed: 3 variant alleles, 3 heterozygotes.

Literature cited by the submitters: PubMed 35477852 (cited by Mayo Clinic Laboratories, Mayo Clinic); PubMed 36777185 (cited by Mayo Clinic Laboratories, Mayo Clinic).

NM_000392.5(ABCC2):c.3500T>C (p.Val1167Ala)

Gene: ABCC2 (ATP binding cassette subfamily C member 2; plus strand). Cytogenetic location: 10q24.2.
Variant type: single nucleotide variant.
Coding change: c.3500T>C on transcript NM_000392.5 (MANE Select); coding-DNA position 3500, T replaced by C.
Protein change: p.Val1167Ala; replaces valine 1167 with alanine.
Molecular consequence: missense variant.
Genome position (GRCh38, 1-based): chr10:99,836,176, T>C. VCF-style: chr10-99836176-T-C. GRCh37 (hg19) VCF-style: chr10-101595933-T-C.
Other names: p.Val1167Ala; c.3500T>C, p.Val1167Ala (LRG_1208t1); short protein forms V1167A.
Identifiers: ClinVar variation 298466 (VCV000298466.14), dbSNP rs140680467, ClinGen allele CA5643832.